The following is an entry in ClinVar:

ClinVar aggregate classification (germline): Conflicting classifications of pathogenicity. Review status: criteria provided, conflicting classifications (1 of 4 stars). 6 submissions from 5 submitters: Uncertain significance (2); Likely benign (4). Last evaluated 2025-09-10.

Conditions:
Hereditary spherocytosis type 1. Also called: Spherocytosis type 1; ANK1-Related Spherocytosis. Identifiers: Orphanet 822, MedGen C2674218, MONDO:0008447, OMIM 182900.
Spherocytosis. Identifiers: MedGen C0553720, HP:0004444.

Allele frequency attached by ClinVar (database versions not stated): gnomAD exomes 0.00019 and 0.00058; ExAC 0.00022; gnomAD 0.00024 and 0.00025; TOPMed 0.00031; ESP Exome Variant Server 0.00046.
gnomAD v4.1: 908 of 1,613,446 alleles (0.056%); highest among the groups gnomAD compares: Non-Finnish European, 0.071%; no homozygotes.

Submissions (7):

Mayo Clinic Laboratories, Mayo Clinic
Classification: Likely benign. Last evaluated: 2025-09-10. Review status: criteria provided, single submitter. Criteria: ACMG Guidelines, 2015. Collection method: clinical testing. Allele origin: germline. Observed: 6 variant alleles.

CeGaT Center for Human Genetics Tuebingen
Classification: Likely benign. Last evaluated: 2025-09-01. Review status: criteria provided, single submitter. Criteria: CeGaT Center For Human Genetics Tuebingen Variant Classification Criteria Version 2. Collection method: clinical testing. Allele origin: germline. Affected: yes. Observed: 2 variant alleles.
Comment: ANK1: BP4, BP7

ARUP Laboratories, Molecular Genetics and Genomics, ARUP Laboratories
Classification: Likely benign for Hereditary spherocytosis type 1. Last evaluated: 2020-12-02. Review status: criteria provided, single submitter. Criteria: ARUP Molecular Germline Variant Investigation Process 2021. Collection method: clinical testing. Allele origin: germline.

Labcorp Genetics (formerly Invitae), Labcorp
Classification: Likely benign. Last evaluated: 2018-03-28. Review status: criteria provided, single submitter. Criteria: Invitae Variant Classification Sherloc (09022015). Collection method: clinical testing. Allele origin: germline.

Illumina Laboratory Services, Illumina
Classification: Uncertain significance for Spherocytosis. Last evaluated: 2018-01-13. Review status: criteria provided, single submitter. Criteria: ICSL Variant Classification Criteria 13 December 2019. Collection method: clinical testing. Allele origin: germline.

Illumina Laboratory Services, Illumina
Classification: Uncertain significance for Hereditary spherocytosis type 1. Last evaluated: 2018-01-13. Review status: criteria provided, single submitter. Criteria: ICSL Variant Classification Criteria 13 December 2019. Collection method: clinical testing. Allele origin: germline.

Dr. Peter K. Rogan Lab, Western University
No classification provided (evidence only). Condition: Malignant tumor of esophagus. Review status: no classification provided. Collection method: in vitro. Allele origin: not applicable. Functional consequence: retained intron. Not counted in ClinVar's aggregate classification.

NM_000037.4(ANK1):c.447G>T (p.Ala149=)

Genes: ANK1 (ankyrin 1; minus strand), LOC124153154 (Sharpr-MPRA regulatory region 1462; plus strand). Cytogenetic location: 8p11.21.
Variant type: single nucleotide variant.
Coding change: c.447G>T on transcript NM_000037.4 (MANE Select); coding-DNA position 447, G replaced by T.
Protein change: p.Ala149=; no amino-acid change (alanine 149 retained).
Molecular consequence: synonymous variant.
Genome position (GRCh38, 1-based): chr8:41,725,926, C>A on the plus strand (G>T on the coding strand, the complement: ANK1 is on the minus strand). VCF-style: chr8-41725926-C-A. GRCh37 (hg19) VCF-style: chr8-41583444-C-A.
Other names: p.Ala149=; c.546G>T, p.Ala182= (NM_001142446.2); c.447G>T, p.Ala149= (NM_020475.3, NM_020476.3, NM_020477.3).
Identifiers: ClinVar variation 736663 (VCV000736663.39), dbSNP rs140550365, ClinGen allele CA4728969.